The following is an entry in ClinVar:

NM_000091.5(COL4A3):c.1123G>A (p.Gly375Ser)

Genes: COL4A3 (collagen type IV alpha 3 chain; plus strand), MFF-DT (MFF divergent transcript; minus strand). Cytogenetic location: 2q36.3.
Variant type: single nucleotide variant.
Coding change: c.1123G>A on transcript NM_000091.5 (MANE Select); coding-DNA position 1123, G replaced by A.
Protein change: p.Gly375Ser; replaces glycine 375 with serine.
Molecular consequence: missense variant.
Genome position (GRCh38, 1-based): chr2:227,261,090, G>A. VCF-style: chr2-227261090-G-A. GRCh37 (hg19) VCF-style: chr2-228125806-G-A.
Other names: short protein forms G375S.
Identifiers: ClinVar variation 4767684 (VCV004767684.2).

ClinVar aggregate classification (germline): Conflicting classifications of pathogenicity. Review status: criteria provided, conflicting classifications (1 of 4 stars). 2 submissions from 2 submitters: Likely pathogenic (1); Uncertain significance (1). Last evaluated 2025-11-27.

Conditions:
Alport syndrome. Also called: Hemorrhagic familial nephritis; Hemorrhagic hereditary nephritis; Congenital hereditary hematuria. Identifiers: Orphanet 63, MedGen C1567741, MONDO:0018965.

Submissions (2):

Labcorp Genetics (formerly Invitae), Labcorp
Classification: Uncertain significance. Last evaluated: 2025-11-27. Review status: criteria provided, single submitter. Criteria: Invitae Variant Classification Sherloc (09022015). Collection method: clinical testing. Allele origin: germline.
Comment: This sequence change replaces glycine, which is neutral and non-polar, with serine, which is neutral and polar, at codon 375 of the COL4A3 protein (p.Gly375Ser). This variant is not present in population databases (gnomAD no frequency). This variant has not been reported in the literature in individuals affected with COL4A3-related conditions. Invitae Evidence Modeling of protein sequence and biophysical properties (such as structural, functional, and spatial information, amino acid conservation, physicochemical variation, residue mobility, and thermodynamic stability) has been performed for this missense variant. However, the output from this modeling did not meet the statistical confidence thresholds required to predict the impact of this variant on COL4A3 protein function. Algorithms developed to predict the effect of sequence changes on RNA splicing suggest that this variant may disrupt the consensus splice site. In summary, the available evidence is currently insufficient to determine the role of this variant in disease. Therefore, it has been classified as a Variant of Uncertain Significance.

Natera, Inc.
Classification: Likely pathogenic for Alport syndrome. Last evaluated: 2025-08-25. Review status: criteria provided, single submitter. Criteria: Natera Variant Classification Schema (03/2026). Collection method: clinical testing. Allele origin: germline.
Comment: The c.1123G>A variant in COL4A3 is a missense variant predicted to cause substitution of glycine to serine at amino acid 375. This variant is rare in the general population with a frequency below the threshold expected for the associated phenotype(s). This variant is located in a functionally critical region of the protein. Computational prediction algorithms indicate this variant is likely to affect gene or protein function. Given the available evidence, this variant is classified as Likely Pathogenic.